The following is an entry in ClinVar:

ClinVar aggregate classification (germline): Benign/Likely benign. Review status: criteria provided, multiple submitters, no conflicts (2 of 4 stars). 6 submissions from 6 submitters: Benign (1); Likely benign (5). Last evaluated 2025-08-17.

Conditions:
TSC1-related disorder. Also called: TSC1-related condition.
Hereditary cancer-predisposing syndrome. Also called: Neoplastic Syndromes, Hereditary; Tumor predisposition; Hereditary Cancer Syndrome; Hereditary neoplastic syndrome. Identifiers: Orphanet 140162, MedGen C0027672, MeSH D009386, MONDO:0015356.
Tuberous sclerosis syndrome (TSC). Also called: Tuberous Sclerosis Complex; Tuberous sclerosis. Identifiers: Orphanet 805, MedGen C0041341, MONDO:0001734.
Tuberous sclerosis 1 (TSC1). Identifiers: Orphanet 805, MedGen C1854465, MONDO:0008612, OMIM 191100.

Allele frequency attached by ClinVar (database versions not stated): gnomAD below 0.00001 and 0.00001; TOPMed below 0.00001; gnomAD exomes 0.00001.

Submissions (6):

Labcorp Genetics (formerly Invitae), Labcorp
Classification: Likely benign for Tuberous sclerosis 1. Last evaluated: 2025-08-17. Review status: criteria provided, single submitter. Criteria: Invitae Variant Classification Sherloc (09022015). Collection method: clinical testing. Allele origin: germline.

Color Diagnostics, LLC DBA Color Health
Classification: Benign for Tuberous sclerosis syndrome. Last evaluated: 2025-07-15. Review status: criteria provided, single submitter. Criteria: ACMG Guidelines, 2015. Collection method: clinical testing. Allele origin: germline.

PreventionGenetics, part of Exact Sciences
Classification: Likely benign for TSC1-related condition. Last evaluated: 2024-10-25. Review status: criteria provided, single submitter. Criteria: ACMG Guidelines, 2015. Collection method: clinical testing. Allele origin: germline.
Comment: This variant is classified as likely benign based on ACMG/AMP sequence variant interpretation guidelines (Richards et al. 2015 PMID: 25741868, with internal and published modifications).

Genome-Nilou Lab
Classification: Likely benign for Tuberous sclerosis 1. Last evaluated: 2021-11-07. Review status: criteria provided, single submitter. Criteria: ACMG Guidelines, 2015. Collection method: clinical testing. Allele origin: germline. Affected: no.

Ambry Genetics
Classification: Likely benign for Hereditary cancer-predisposing syndrome. Last evaluated: 2017-08-31. Review status: criteria provided, single submitter. Criteria: Ambry Variant Classification Scheme 2023. Collection method: clinical testing. Allele origin: germline.

GeneDx
Classification: Likely benign. Last evaluated: 2015-10-28. Review status: criteria provided, single submitter. Criteria: GeneDx Variant Classification (06012015). Collection method: clinical testing. Allele origin: germline. Affected: yes.
Comment: This variant is considered likely benign or benign based on one or more of the following criteria: it is a conservative change, it occurs at a poorly conserved position in the protein, it is predicted to be benign by multiple in silico algorithms, and/or has population frequency not consistent with disease.

Literature cited by the submitters: PubMed 15769473 (cited by Ambry Genetics); PubMed 26615199 (cited by Ambry Genetics).

NM_000368.5(TSC1):c.997C>T (p.Pro333Ser)

Gene: TSC1 (TSC complex subunit 1; minus strand). Cytogenetic location: 9q34.13.
Variant type: single nucleotide variant.
Coding change: c.997C>T on transcript NM_000368.5 (MANE Select); coding-DNA position 997, C replaced by T.
Protein change: p.Pro333Ser; replaces proline 333 with serine.
Molecular consequence: missense variant.
Genome position (GRCh38, 1-based): chr9:132,911,485, G>A on the plus strand (C>T on the coding strand, the complement: TSC1 is on the minus strand). VCF-style: chr9-132911485-G-A. GRCh37 (hg19) VCF-style: chr9-135786872-G-A.
Other names: c.997C>T, p.Pro333Ser (NM_001162426.2); c.844C>T, p.Pro282Ser (NM_001162427.2); c.634C>T, p.Pro212Ser (NM_001362177.2); short protein forms P333S, P282S, P212S.
Identifiers: ClinVar variation 381250 (VCV000381250.20), dbSNP rs1057520994, ClinGen allele CA16605552.
Genomic context (GRCh38, chr9:132,911,485, plus strand): 5'-AGAGCAGGCACACTAGTTGACACCATACTTGTGGTGGTTCAGTTATCAGCCGTGTCGATG[G>A]GGAACTCAGAGTCTGAGGTAGCTGCCCTGGCATATTTAACAACATCAGCCGAGACGTGGA-3'
Protein context (NP_000359.1, residues 323-343): PGQLPQTLSS[Pro333Ser]STRLITEPPQ